The following is an entry in ClinVar:

ClinVar aggregate classification (germline): Uncertain significance (1 of 4 stars; one submission).

Conditions:
Hereditary cancer-predisposing syndrome. Also called: Neoplastic Syndromes, Hereditary; Tumor predisposition; Hereditary Cancer Syndrome; Hereditary neoplastic syndrome. Identifiers: Orphanet 140162, MedGen C0027672, MeSH D009386, MONDO:0015356.

Submission:

Ambry Genetics
Classification: Uncertain significance for Hereditary cancer-predisposing syndrome. Last evaluated: 2025-03-30. Review status: criteria provided, single submitter. Criteria: Ambry Variant Classification Scheme 2023. Collection method: clinical testing. Allele origin: germline.
Comment: The p.N35S variant (also known as c.104A>G), located in coding exon 2 of the PDGFRA gene, results from an A to G substitution at nucleotide position 104. The asparagine at codon 35 is replaced by serine, an amino acid with highly similar properties. This amino acid position is conserved. In addition, this alteration is predicted to be tolerated by in silico analysis. Since supporting evidence is limited at this time, the clinical significance of this alteration remains unclear.

NM_006206.6(PDGFRA):c.104A>G (p.Asn35Ser)

Gene: PDGFRA (platelet derived growth factor receptor alpha; plus strand). Cytogenetic location: 4q12.
Variant type: single nucleotide variant.
Coding change: c.104A>G on transcript NM_006206.6 (MANE Select); coding-DNA position 104, A replaced by G.
Protein change: p.Asn35Ser; replaces asparagine 35 with serine.
Molecular consequence: missense variant.
Genome position (GRCh38, 1-based): chr4:54,261,149, A>G. VCF-style: chr4-54261149-A-G. GRCh37 (hg19) VCF-style: chr4-55127316-A-G.
Other names: c.104A>G, p.Asn35Ser (NM_001347827.2, NM_001347829.2); c.179A>G, p.Asn60Ser (NM_001347828.2); c.143A>G, p.Asn48Ser (NM_001347830.2); short protein forms N35S, N48S, N60S.
Identifiers: ClinVar variation 1776497 (VCV001776497.3), dbSNP rs2475421476, ClinGen allele CA356888253.